The following is an entry in ClinVar:

ClinVar aggregate classification (germline): Uncertain significance (1 of 4 stars; one submission).

Submission:

Labcorp Genetics (formerly Invitae), Labcorp
Classification: Uncertain significance. Last evaluated: 2024-11-19. Review status: criteria provided, single submitter. Criteria: Invitae Variant Classification Sherloc (09022015). Collection method: clinical testing. Allele origin: germline.
Comment: This sequence change replaces phenylalanine, which is neutral and non-polar, with isoleucine, which is neutral and non-polar, at codon 260 of the MNX1 protein (p.Phe260Ile). This variant is not present in population databases (gnomAD no frequency). This variant has not been reported in the literature in individuals affected with MNX1-related conditions. Invitae Evidence Modeling of protein sequence and biophysical properties (such as structural, functional, and spatial information, amino acid conservation, physicochemical variation, residue mobility, and thermodynamic stability) indicates that this missense variant is expected to disrupt MNX1 protein function with a positive predictive value of 80%. In summary, the available evidence is currently insufficient to determine the role of this variant in disease. Therefore, it has been classified as a Variant of Uncertain Significance.

NM_005515.4(MNX1):c.778T>A (p.Phe260Ile)

Genes: MNX1 (motor neuron and pancreas homeobox 1; minus strand), MNX1-AS2 (MNX1 antisense RNA 2; plus strand). Cytogenetic location: 7q36.3.
Variant type: single nucleotide variant.
Coding change: c.778T>A on transcript NM_005515.4 (MANE Select); coding-DNA position 778, T replaced by A.
Protein change: p.Phe260Ile; replaces phenylalanine 260 with isoleucine.
Molecular consequence: missense variant.
Genome position (GRCh38, 1-based): chr7:157,006,553, A>T on the plus strand (T>A on the coding strand, the complement: MNX1 is on the minus strand). VCF-style: chr7-157006553-A-T. GRCh37 (hg19) VCF-style: chr7-156799247-A-T.
Other names: c.142T>A, p.Phe48Ile (NM_001165255.2); short protein forms F48I, F260I.
Identifiers: ClinVar variation 3720213 (VCV003720213.2).
Genomic context (GRCh38, chr7:157,006,553, plus strand): 5'-GCATGAGCGAGGTGGCCACCTCGAAGCGCTTGGGCCGCGACAGGTACTTGTTGAGCTTGA[A>T]CTGGTGCTCCAGCTCCAGCAGCTGCTGGCTGGTGAAGGCGGTGCGCGGCCGGCGGCACTT-3'
Protein context (NP_005506.3, residues 250-270): SQQLLELEHQ[Phe260Ile]KLNKYLSRPK